The following is an entry in ClinVar:

ClinVar aggregate classification (germline): Uncertain significance (1 of 4 stars; one submission).

Conditions:
Catecholaminergic polymorphic ventricular tachycardia 1. Also called: VENTRICULAR TACHYCARDIA, STRESS-INDUCED POLYMORPHIC 1; VENTRICULAR TACHYCARDIA, CATECHOLAMINERGIC POLYMORPHIC, 1, WITH OR WITHOUT ATRIAL DYSFUNCTION AND/OR DILATED CARDIOMYOPATHY; RYR2-Related Catecholaminergic Polymorphic Ventricular Tachycardia. Identifiers: Orphanet 3286, MedGen C1631597, MONDO:0011484, OMIM 604772.

Submission:

Labcorp Genetics (formerly Invitae), Labcorp
Classification: Uncertain significance for Catecholaminergic polymorphic ventricular tachycardia 1. Last evaluated: 2024-04-25. Review status: criteria provided, single submitter. Criteria: Invitae Variant Classification Sherloc (09022015). Collection method: clinical testing. Allele origin: germline.
Comment: This sequence change replaces arginine, which is basic and polar, with histidine, which is basic and polar, at codon 626 of the RYR2 protein (p.Arg626His). This variant is not present in population databases (gnomAD no frequency). This variant has not been reported in the literature in individuals affected with RYR2-related conditions. ClinVar contains an entry for this variant (Variation ID: 2183799). Advanced modeling of protein sequence and biophysical properties (such as structural, functional, and spatial information, amino acid conservation, physicochemical variation, residue mobility, and thermodynamic stability) has been performed at Invitae for this missense variant, however the output from this modeling did not meet the statistical confidence thresholds required to predict the impact of this variant on RYR2 protein function. In summary, the available evidence is currently insufficient to determine the role of this variant in disease. Therefore, it has been classified as a Variant of Uncertain Significance.

NM_001035.3(RYR2):c.1877G>A (p.Arg626His)

Gene: RYR2 (ryanodine receptor 2; plus strand). Cytogenetic location: 1q43.
Variant type: single nucleotide variant.
Coding change: c.1877G>A on transcript NM_001035.3 (MANE Select); coding-DNA position 1877, G replaced by A.
Protein change: p.Arg626His; replaces arginine 626 with histidine.
Molecular consequence: missense variant.
Genome position (GRCh38, 1-based): chr1:237,493,003, G>A. VCF-style: chr1-237493003-G-A. GRCh37 (hg19) VCF-style: chr1-237656303-G-A.
Other names: short protein forms R626H.
Identifiers: ClinVar variation 2183799 (VCV002183799.4), dbSNP rs1469143387, ClinGen allele CA345389434.